The following is an entry in ClinVar:

ClinVar aggregate classification (germline): Pathogenic (1 of 4 stars; one submission).

Conditions:
Hereditary breast ovarian cancer syndrome. Also called: Hereditary breast and ovarian cancer syndrome; Hereditary breast and/or ovarian cancer syndrome; BRCA1- and BRCA2-Associated Hereditary Breast and Ovarian Cancer; Hereditary breast and ovarian cancer syndrome (HBOC); Hereditary breast and ovarian cancer; Breast and ovarian cancer. Identifiers: Orphanet 145, MedGen C0677776, MeSH D061325, MONDO:0003582. Disease mechanism: loss of function.

Submission:

Labcorp Genetics (formerly Invitae), Labcorp
Classification: Pathogenic for Hereditary breast ovarian cancer syndrome. Last evaluated: 2024-10-23. Review status: criteria provided, single submitter. Criteria: Invitae Variant Classification Sherloc (09022015). Collection method: clinical testing. Allele origin: germline.
Comment: This sequence change inserts a large fragment of DNA, likely a transposable element, in exon 10 of the BRCA1 gene (c.1551_1552ins?), causing a frameshift at codon 517 (p.Phe517fs). The exact size and sequence of the insertion cannot be determined by the current assay. However, the insertion is expected to result in an absent or disrupted protein product. This variant is not present in population databases (gnomAD no frequency). This variant has not been reported in the literature in individuals affected with BRCA1-related conditions. Retrotransposon insertions including LINE1 (L1), Alu, and SVA (SINE-VNTR-Alu) have been reported to be disease-causing through disruption of either a coding region or splice site (PMID: 19763152, 20307669, 22406018) and loss-of-function variants in BRCA1 are known to be pathogenic (PMID: 20104584). For these reasons, this variant has been classified as Pathogenic.

Literature cited by the submitters: PubMed 19763152; PubMed 20307669; PubMed 22406018; PubMed 20104584.

NM_007294.4(BRCA1):c.1551_1552insTTTTTTTTTTTTTTTTTTTTNNNNNNNNNNACCTCGTGATCCGCCCGCCTCGGCCTCCCAAAGTGCTGGGATTACAGGCGTGAGCCACCGCGCCCGGCCCATCCTGAGGATTTT (p.Ile518delinsPhePhePhePhePhePheXaaXaaXaaXaaThrSerTer)

Gene: BRCA1 (BRCA1 DNA repair associated; minus strand). Cytogenetic location: 17q21.31.
Variant type: Microsatellite.
Coding change: c.1551_1552insTTTTTTTTTTTTTTTTTTTTNNNNNNNNNNACCTCGTGATCCGCCCGCCTCGGCCTCCCAAAGTGCTGGGATTACAGGCGTGAGCCACCGCGCCCGGCCCATCCTGAGGATTTT on transcript NM_007294.4 (MANE Select); coding-DNA positions 1551 to 1552, TTTTTTTTTTTTTTTTTTTTNNNNNNNNNNACCTCGTGATCCGCCCGCCTCGGCCTCCCAAAGTGCTGGGATTACAGGCGTGAGCCACCGCGCCCGGCCCATCCTGAGGATTTT inserted.
Protein change: p.Ile518delinsPhePhePhePhePhePheXaaXaaXaaXaaThrSerTer.
Molecular consequence: nonsense. On other transcripts: intron variant (137).
Genome position: GRCh38: chr17:43,093,980-43,093,994. GRCh37 (hg19), VCF-style position (the base before the change): chr17:41,245,996.
Other names: c.1428_1429insTTTTTTTTTTTTTTTTTTTTNNNNNNNNNNACCTCGTGATCCGCCCGCCTCGGCCTCCCAAAGTGCTGGGATTACAGGCGTGAGCCACCGCGCCCGGCCCATCCTGAGGATTTT, p.Ile477delinsPhePhePhePhePhePheXaaXaaXaaXaaThrSerTer (NM_001407667.1, NM_001407668.1, NM_001407669.1 and 19 more transcripts); c.1425_1426insTTTTTTTTTTTTTTTTTTTTNNNNNNNNNNACCTCGTGATCCGCCCGCCTCGGCCTCCCAAAGTGCTGGGATTACAGGCGTGAGCCACCGCGCCCGGCCCATCCTGAGGATTTT, p.Ile476delinsPhePhePhePhePhePheXaaXaaXaaXaaThrSerTer (NM_001407670.1, NM_001407671.1, NM_001407672.1 and 11 more transcripts); c.1551_1552insTTTTTTTTTTTTTTTTTTTTNNNNNNNNNNACCTCGTGATCCGCCCGCCTCGGCCTCCCAAAGTGCTGGGATTACAGGCGTGAGCCACCGCGCCCGGCCCATCCTGAGGATTTT, p.Ile518delinsPhePhePhePhePhePheXaaXaaXaaXaaThrSerTer (NM_001407684.1, NM_007300.4, NM_001407581.1 and 30 more transcripts); c.1215_1216insTTTTTTTTTTTTTTTTTTTTNNNNNNNNNNACCTCGTGATCCGCCCGCCTCGGCCTCCCAAAGTGCTGGGATTACAGGCGTGAGCCACCGCGCCCGGCCCATCCTGAGGATTTT, p.Ile406delinsPhePhePhePhePhePheXaaXaaXaaXaaThrSerTer (NM_001407956.1, NM_001407958.1, NM_001407954.1 and 1 more transcripts); c.1218_1219insTTTTTTTTTTTTTTTTTTTTNNNNNNNNNNACCTCGTGATCCGCCCGCCTCGGCCTCCCAAAGTGCTGGGATTACAGGCGTGAGCCACCGCGCCCGGCCCATCCTGAGGATTTT, p.Ile407delinsPhePhePhePhePhePheXaaXaaXaaXaaThrSerTer (NM_001407957.1, NM_001407946.1, NM_001407947.1 and 6 more transcripts); c.1170_1171insTTTTTTTTTTTTTTTTTTTTNNNNNNNNNNACCTCGTGATCCGCCCGCCTCGGCCTCCCAAAGTGCTGGGATTACAGGCGTGAGCCACCGCGCCCGGCCCATCCTGAGGATTTT, p.Ile391delinsPhePhePhePhePhePheXaaXaaXaaXaaThrSerTer (NM_001407959.1, NM_001407960.1, NM_001407963.1); c.1167_1168insTTTTTTTTTTTTTTTTTTTTNNNNNNNNNNACCTCGTGATCCGCCCGCCTCGGCCTCCCAAAGTGCTGGGATTACAGGCGTGAGCCACCGCGCCCGGCCCATCCTGAGGATTTT, p.Ile390delinsPhePhePhePhePhePheXaaXaaXaaXaaThrSerTer (NM_001407962.1); c.1407_1408insTTTTTTTTTTTTTTTTTTTTNNNNNNNNNNACCTCGTGATCCGCCCGCCTCGGCCTCCCAAAGTGCTGGGATTACAGGCGTGAGCCACCGCGCCCGGCCCATCCTGAGGATTTT, p.Ile470delinsPhePhePhePhePhePheXaaXaaXaaXaaThrSerTer (NM_001407964.1, NM_001407740.1, NM_001407741.1 and 20 more transcripts); and 40 more.
Identifiers: ClinVar variation 2865905 (VCV002865905.3).